The following is an entry in ClinVar:

NM_015557.3(CHD5):c.3301C>T (p.Arg1101Trp)

Gene: CHD5 (chromodomain helicase DNA binding protein 5; minus strand). Cytogenetic location: 1p36.31.
Variant type: single nucleotide variant.
Coding change: c.3301C>T on transcript NM_015557.3 (MANE Select); coding-DNA position 3301, C replaced by T.
Protein change: p.Arg1101Trp; replaces arginine 1101 with tryptophan.
Molecular consequence: missense variant.
Genome position (GRCh38, 1-based): chr1:6,130,290, G>A on the plus strand (C>T on the coding strand, the complement: CHD5 is on the minus strand). VCF-style: chr1-6130290-G-A. GRCh37 (hg19) VCF-style: chr1-6190350-G-A.
Other names: short protein forms R1101W.
Identifiers: ClinVar variation 4056914 (VCV004056914.2).
Genomic context (GRCh38, chr1:6,130,290, plus strand): 5'-CCGAGTCGTAGATGATGACAGTGTCCGCCGTGGCCAGGTTGATGCCCAGACCACCTGCCC[G>A]GGTTGAGAGGAGGAAGCAGAACTGCTGGGCCCCGGGGGCTGAAAAAGAGAGGCCAGCAGA-3'
Protein context (NP_056372.1, residues 1091-1111): AQQFCFLLST[Arg1101Trp]AGGLGINLAT

ClinVar aggregate classification (germline): Uncertain significance (1 of 4 stars; one submission).

Submission:

GeneDx
Classification: Uncertain significance. Last evaluated: 2026-07-28. Review status: criteria provided, single submitter. Criteria: GeneDx Variant Classification Process June 2021. Collection method: clinical testing. Allele origin: germline.
Comment: Not observed at significant frequency in large population cohorts (gnomAD); In silico analysis supports that this missense variant has a deleterious effect on protein structure/function; Has not been previously published as pathogenic or benign to our knowledge